The following is an entry in ClinVar:

NM_175875.5(SIX5):c.1075C>A (p.Leu359Met)

Genes: SIX5 (SIX homeobox 5; minus strand), LOC107075317 (origin of replication in DMPK trinucleotide repeat region; plus strand). Cytogenetic location: 19q13.32.
Variant type: single nucleotide variant.
Coding change: c.1075C>A on transcript NM_175875.5 (MANE Select); coding-DNA position 1075, C replaced by A.
Protein change: p.Leu359Met; replaces leucine 359 with methionine.
Molecular consequence: missense variant.
Genome position (GRCh38, 1-based): chr19:45,766,884, G>T on the plus strand (C>A on the coding strand, the complement: SIX5 is on the minus strand). VCF-style: chr19-45766884-G-T. GRCh37 (hg19) VCF-style: chr19-46270142-G-T.
Other names: short protein forms L359M.
Identifiers: ClinVar variation 2358997 (VCV002358997.3), dbSNP rs753341384, ClinGen allele CA9520683.
Genomic context (GRCh38, chr19:45,766,884, plus strand): 5'-CGCTGGCCCCCTGAGGGCTGGGCTGCGGTGGAGGGGCACCCCCGCCCCCAGTGAGCAGCA[G>T]CGGGCCCAGGCTGGAGGCCTCGCCCAGGGCCAGGCCGTTGATGATGACGGGGCCCCCGTT-3'
Protein context (NP_787071.3, residues 349-369): ALGEASSLGP[Leu359Met]LLTGGGGAPP

ClinVar aggregate classification (germline): Uncertain significance. Review status: criteria provided, single submitter (1 of 4 stars). 2 submissions from 2 submitters: Uncertain significance (1). 1 of the submissions does not count toward it. Last evaluated 2022-11-17.

Conditions:
SIX5-related disorder. Also called: SIX5-related condition.

Submissions (2):

Ambry Genetics
Classification: Uncertain significance. Last evaluated: 2022-11-17. Review status: criteria provided, single submitter. Criteria: Ambry Variant Classification Scheme 2023. Collection method: clinical testing. Allele origin: germline.

PreventionGenetics, part of Exact Sciences
Classification: Uncertain significance for SIX5-related condition. Last evaluated: 2024-05-09. Review status: no assertion criteria provided. Collection method: clinical testing. Allele origin: germline. Not counted in ClinVar's aggregate classification.
Comment: The SIX5 c.1075C>A variant is predicted to result in the amino acid substitution p.Leu359Met. To our knowledge, this variant has not been reported in the literature. This variant is reported in 0.0070% of alleles in individuals of European (Non-Finnish) descent in gnomAD. At this time, the clinical significance of this variant is uncertain due to the absence of conclusive functional and genetic evidence.